The following is an entry in ClinVar:

ClinVar aggregate classification (germline): Uncertain significance. Review status: criteria provided, multiple submitters, no conflicts (2 of 4 stars). 2 submissions from 2 submitters: Uncertain significance (2). Last evaluated 2022-09-17.

Conditions:
Inborn genetic diseases. Identifiers: MedGen C0950123, MeSH D030342.

Allele frequency attached by ClinVar (database versions not stated): gnomAD 0.00001; TOPMed 0.00003; ExAC 0.00004.
gnomAD v4.1: 26 of 1,613,890 alleles (0.0016%); highest among the groups gnomAD compares: Admixed American, 0.022%; no homozygotes.

Submissions (2):

Ambry Genetics
Classification: Uncertain significance for Inborn genetic diseases. Last evaluated: 2022-09-17. Review status: criteria provided, single submitter. Criteria: Ambry Variant Classification Scheme 2023. Collection method: clinical testing. Allele origin: germline.

Labcorp Genetics (formerly Invitae), Labcorp
Classification: Uncertain significance. Last evaluated: 2022-05-17. Review status: criteria provided, single submitter. Criteria: Invitae Variant Classification Sherloc (09022015). Collection method: clinical testing. Allele origin: germline.
Comment: This sequence change replaces alanine, which is neutral and non-polar, with valine, which is neutral and non-polar, at codon 1446 of the CCDC88C protein (p.Ala1446Val). This variant is present in population databases (rs759055200, gnomAD 0.04%). This variant has not been reported in the literature in individuals affected with CCDC88C-related conditions. Algorithms developed to predict the effect of missense changes on protein structure and function (SIFT, PolyPhen-2, Align-GVGD) all suggest that this variant is likely to be tolerated. In summary, the available evidence is currently insufficient to determine the role of this variant in disease. Therefore, it has been classified as a Variant of Uncertain Significance.

NM_001080414.4(CCDC88C):c.4337C>T (p.Ala1446Val)

Gene: CCDC88C (coiled-coil domain containing 88C; minus strand). Cytogenetic location: 14q32.11.
Variant type: single nucleotide variant.
Coding change: c.4337C>T on transcript NM_001080414.4 (MANE Select); coding-DNA position 4337, C replaced by T.
Protein change: p.Ala1446Val; replaces alanine 1446 with valine.
Molecular consequence: missense variant.
Genome position (GRCh38, 1-based): chr14:91,289,209, G>A on the plus strand (C>T on the coding strand, the complement: CCDC88C is on the minus strand). VCF-style: chr14-91289209-G-A. GRCh37 (hg19) VCF-style: chr14-91755553-G-A.
Other names: short protein forms A1446V.
Identifiers: ClinVar variation 1921065 (VCV001921065.3), dbSNP rs759055200, ClinGen allele CA7309044.